The following is an entry in ClinVar:

NM_033337.3(CAV3):c.-15C>A

Gene: CAV3 (caveolin 3; plus strand). Cytogenetic location: 3p25.3.
Variant type: single nucleotide variant.
Coding change: c.-15C>A on transcript NM_033337.3 (MANE Select); 15 bases upstream of the start codon, C replaced by A.
Molecular consequence: 5 prime UTR variant.
Genome position (GRCh38, 1-based): chr3:8,733,862, C>A. VCF-style: chr3-8733862-C-A. GRCh37 (hg19) VCF-style: chr3-8775548-C-A.
Other names: c.-15C>A (NM_001234.5).
Identifiers: ClinVar variation 136660 (VCV000136660.4), dbSNP rs569240109, ClinGen allele CA181177.

ClinVar aggregate classification (germline): Benign. Review status: criteria provided, single submitter (1 of 4 stars). 2 submissions from 2 submitters: Benign (1). 1 of the submissions does not count toward it. Last evaluated 2014-05-18.

Allele frequency attached by ClinVar (database versions not stated): TOPMed 0.00002; gnomAD 0.00003 and 0.00012; 1000 Genomes Project 30x 0.00031; 1000 Genomes Project 0.00040; gnomAD exomes 0.00070; ExAC 0.00082.
gnomAD v4.1: 488 of 1,521,112 alleles (0.032%); highest among the groups gnomAD compares: South Asian, 0.44%; 10 homozygotes.

Submissions (2):

GeneDx
Classification: Benign. Last evaluated: 2014-05-18. Review status: criteria provided, single submitter. Criteria: GeneDx Variant Classification (06012015). Collection method: clinical testing. Allele origin: germline. Affected: yes.
Comment: This variant is considered likely benign or benign based on one or more of the following criteria: it is a conservative change, it occurs at a poorly conserved position in the protein, it is predicted to be benign by multiple in silico algorithms, and/or has population frequency not consistent with disease.

Laboratory for Molecular Medicine, Mass General Brigham Personalized Medicine
No classification provided. Last evaluated: 2013-08-11. Review status: no classification provided. Collection method: clinical testing. Allele origin: germline. Observed: 1 variant allele. Not counted in ClinVar's aggregate classification.